The following is an entry in ClinVar:

ClinVar aggregate classification (germline): Uncertain significance (1 of 4 stars; one submission).

Submission:

Labcorp Genetics (formerly Invitae), Labcorp
Classification: Uncertain significance. Last evaluated: 2025-11-11. Review status: criteria provided, single submitter. Criteria: Invitae Variant Classification Sherloc (09022015). Collection method: clinical testing. Allele origin: germline.
Comment: This sequence change replaces alanine, which is neutral and non-polar, with threonine, which is neutral and polar, at codon 143 of the THBD protein (p.Ala143Thr). This variant is not present in population databases (gnomAD no frequency). This variant has not been reported in the literature in individuals affected with THBD-related conditions. Invitae Evidence Modeling of protein sequence and biophysical properties (such as structural, functional, and spatial information, amino acid conservation, physicochemical variation, residue mobility, and thermodynamic stability) indicates that this missense variant is not expected to disrupt THBD protein function with a negative predictive value of 80%. In summary, the available evidence is currently insufficient to determine the role of this variant in disease. Therefore, it has been classified as a Variant of Uncertain Significance.

NM_000361.3(THBD):c.427G>A (p.Ala143Thr)

Gene: THBD (thrombomodulin; minus strand). Cytogenetic location: 20p11.21.
Variant type: single nucleotide variant.
Coding change: c.427G>A on transcript NM_000361.3 (MANE Select); coding-DNA position 427, G replaced by A.
Protein change: p.Ala143Thr; replaces alanine 143 with threonine.
Molecular consequence: missense variant.
Genome position (GRCh38, 1-based): chr20:23,049,078, C>T on the plus strand (G>A on the coding strand, the complement: THBD is on the minus strand). VCF-style: chr20-23049078-C-T. GRCh37 (hg19) VCF-style: chr20-23029715-C-T.
Other names: short protein forms A143T.
Identifiers: ClinVar variation 4741950 (VCV004741950.1).